The following is an entry in ClinVar:

ClinVar aggregate classification (germline): Uncertain significance (1 of 4 stars; one submission).

Submission:

GeneDx
Classification: Uncertain significance. Last evaluated: 2025-02-14. Review status: criteria provided, single submitter. Criteria: GeneDx Variant Classification Process June 2021. Collection method: clinical testing. Allele origin: germline. Affected: yes.
Comment: Not observed at significant frequency in large population cohorts (gnomAD); In silico analysis supports that this missense variant has a deleterious effect on protein structure/function; Has not been previously published as pathogenic or benign to our knowledge

NM_001007553.3(CSDE1):c.805A>G (p.Lys269Glu)

Gene: CSDE1 (cold shock domain containing E1; minus strand). Cytogenetic location: 1p13.2.
Variant type: single nucleotide variant.
Coding change: c.805A>G on transcript NM_001007553.3 (MANE Select); coding-DNA position 805, A replaced by G.
Protein change: p.Lys269Glu; replaces lysine 269 with glutamic acid.
Molecular consequence: missense variant.
Genome position (GRCh38, 1-based): chr1:114,733,764, T>C on the plus strand (A>G on the coding strand, the complement: CSDE1 is on the minus strand). VCF-style: chr1-114733764-T-C. GRCh37 (hg19) VCF-style: chr1-115276385-T-C.
Other names: c.712A>G, p.Lys238Glu (NM_001242893.2, NM_007158.6); c.850A>G, p.Lys284Glu (NM_001130523.3); c.943A>G, p.Lys315Glu (NM_001242891.2); c.805A>G, p.Lys269Glu (NM_001242892.2); short protein forms K238E, K269E, K284E, K315E.
Identifiers: ClinVar variation 2571672 (VCV002571672.2), dbSNP rs2526564017, ClinGen allele CA341756993.